The following is an entry in ClinVar:

ClinVar aggregate classification (germline): Uncertain significance (1 of 4 stars; one submission).

gnomAD v4.1: 11 of 1,613,406 alleles (0.00068%); highest among the groups gnomAD compares: Non-Finnish European, 0.00093%; no homozygotes.

Submission:

Labcorp Genetics (formerly Invitae), Labcorp
Classification: Uncertain significance. Last evaluated: 2024-05-28. Review status: criteria provided, single submitter. Criteria: Invitae Variant Classification Sherloc (09022015). Collection method: clinical testing. Allele origin: germline.
Comment: This sequence change replaces isoleucine, which is neutral and non-polar, with leucine, which is neutral and non-polar, at codon 1339 of the LRP6 protein (p.Ile1339Leu). This variant is present in population databases (no rsID available, gnomAD 0.0009%). This variant has not been reported in the literature in individuals affected with LRP6-related conditions. An algorithm developed to predict the effect of missense changes on protein structure and function (PolyPhen-2) suggests that this variant is likely to be tolerated. In summary, the available evidence is currently insufficient to determine the role of this variant in disease. Therefore, it has been classified as a Variant of Uncertain Significance.

NM_002336.3(LRP6):c.4015A>C (p.Ile1339Leu)

Gene: LRP6 (LDL receptor related protein 6; minus strand). Cytogenetic location: 12p13.2.
Variant type: single nucleotide variant.
Coding change: c.4015A>C on transcript NM_002336.3 (MANE Select); coding-DNA position 4015, A replaced by C.
Protein change: p.Ile1339Leu; replaces isoleucine 1339 with leucine.
Molecular consequence: missense variant. On other transcripts: non-coding transcript variant (1).
Genome position (GRCh38, 1-based): chr12:12,130,849, T>G on the plus strand (A>C on the coding strand, the complement: LRP6 is on the minus strand). VCF-style: chr12-12130849-T-G. GRCh37 (hg19) VCF-style: chr12-12283783-T-G.
Other names: c.4108A>C, p.Ile1370Leu (NM_001414244.1); c.4015A>C, p.Ile1339Leu (NM_001414245.1, NM_001414248.1, NM_001414249.1 and 1 more transcripts); c.3880A>C, p.Ile1294Leu (NM_001414246.1); c.3817A>C, p.Ile1273Leu (NM_001414247.1); c.3652A>C, p.Ile1218Leu (NM_001414251.1); c.3562A>C, p.Ile1188Leu (NM_001414252.1, NM_001414253.1, NM_001414254.1); c.3508A>C, p.Ile1170Leu (NM_001414255.1); short protein forms I1170L, I1188L, I1218L, I1273L, I1294L, I1339L, I1370L.
Identifiers: ClinVar variation 3615154 (VCV003615154.2).
Genomic context (GRCh38, chr12:12,130,849, plus strand): 5'-CCAGTTCATCTGACTTGTCACTGCAATCCACATTATGATCACACTTCTTGTGCTTTCCAA[T>G]GCACTGACCATTGGCACAGCGGAACTGATCAATTAAACAAAGCACTGGAAAAAAAACATA-3'
Protein context (NP_002327.2, residues 1329-1349): DQFRCANGQC[Ile1339Leu]GKHKKCDHNV